The following is an entry in ClinVar:

ClinVar aggregate classification (germline): Uncertain significance (1 of 4 stars; one submission).

Submission:

Labcorp Genetics (formerly Invitae), Labcorp
Classification: Uncertain significance. Last evaluated: 2025-03-30. Review status: criteria provided, single submitter. Criteria: Invitae Variant Classification Sherloc (09022015). Collection method: clinical testing. Allele origin: germline.
Comment: This variant, c.957_983dup, results in the insertion of 9 amino acid(s) of the ARID1B protein (p.Ser320_Gly328dup), but otherwise preserves the integrity of the reading frame. This variant is not present in population databases (gnomAD no frequency). This variant has not been reported in the literature in individuals affected with ARID1B-related conditions. In summary, the available evidence is currently insufficient to determine the role of this variant in disease. Therefore, it has been classified as a Variant of Uncertain Significance.

NM_001374828.1(ARID1B):c.1206_1232dup (p.Gly411_Ala412insSerGlyGlyGlyGlyGlyGlyGlyGly)

Gene: ARID1B (AT-rich interaction domain 1B; plus strand). Cytogenetic location: 6q25.3.
Variant type: Duplication.
Coding change: c.1206_1232dup on transcript NM_001374828.1 (MANE Select); coding-DNA positions 1206 to 1232, 27 bases duplicated (CAGCGGAGGAGGAGGAGGAGGAGGAGG).
Protein change: p.Gly411_Ala412insSerGlyGlyGlyGlyGlyGlyGlyGly.
Genome position (GRCh38, 1-based): chr6:156,778,886-156,778,912, CAGCGGAGGAGGAGGAGGAGGAGGAGG duplicated; duplicating any 27 consecutive bases within chr6:156,778,872-156,778,912 gives the same sequence; the c. name uses the placement nearest the transcript's 3' end. VCF-style (leftmost placement, unchanged base first): chr6-156778871-C-CGGAGGAGGAGGAGGCAGCGGAGGAGGA. GRCh37 (hg19) VCF-style: chr6-157100005-C-CGGAGGAGGAGGAGGCAGCGGAGGAGGA.
Other names: c.1206_1232dup, p.Gly411_Ala412insSerGlyGlyGlyGlyGlyGlyGlyGly (NM_001371656.1, NM_001374820.1, NM_017519.3).
Identifiers: ClinVar variation 3666103 (VCV003666103.2).